The following is an entry in ClinVar:

NM_177438.3(DICER1):c.830C>A (p.Ala277Glu)

Gene: DICER1 (dicer 1, ribonuclease III; minus strand). Cytogenetic location: 14q32.13.
Variant type: single nucleotide variant.
Coding change: c.830C>A on transcript NM_177438.3 (MANE Select); coding-DNA position 830, C replaced by A.
Protein change: p.Ala277Glu; replaces alanine 277 with glutamic acid.
Molecular consequence: missense variant.
Genome position (GRCh38, 1-based): chr14:95,126,653, G>T on the plus strand (C>A on the coding strand, the complement: DICER1 is on the minus strand). VCF-style: chr14-95126653-G-T. GRCh37 (hg19) VCF-style: chr14-95592990-G-T.
Other names: c.830C>A, p.Ala277Glu (NM_001195573.1, NM_001271282.3, NM_001291628.2 and 1 more transcripts); short protein forms A277E.
Identifiers: ClinVar variation 835810 (VCV000835810.11), dbSNP rs986916694, ClinGen allele CA390887592.

ClinVar aggregate classification (germline): Uncertain significance (1 of 4 stars; one submission).

Conditions:
DICER1-related tumor predisposition. Also called: DICER1-related pleuropulmonary blastoma cancer predisposition syndrome; DICER1 syndrome. Identifiers: Orphanet 284343, MedGen C3839822, MONDO:0100216.

Submission:

Labcorp Genetics (formerly Invitae), Labcorp
Classification: Uncertain significance for DICER1-related tumor predisposition. Last evaluated: 2019-02-22. Review status: criteria provided, single submitter. Criteria: Invitae Variant Classification Sherloc (09022015). Collection method: clinical testing. Allele origin: germline.
Comment: In summary, the available evidence is currently insufficient to determine the role of this variant in disease. Therefore, it has been classified as a Variant of Uncertain Significance. Algorithms developed to predict the effect of missense changes on protein structure and function are either unavailable or do not agree on the potential impact of this missense change (SIFT: "Tolerated"; PolyPhen-2: "Probably Damaging"; Align-GVGD: "Class C0"). This variant has not been reported in the literature in individuals with DICER1-related conditions. This variant is not present in population databases (ExAC no frequency). This sequence change replaces alanine with glutamic acid at codon 277 of the DICER1 protein (p.Ala277Glu). The alanine residue is highly conserved and there is a moderate physicochemical difference between alanine and glutamic acid.